The following is an entry in ClinVar:

ClinVar aggregate classification (germline): Uncertain significance (1 of 4 stars; one submission).

Conditions:
Mitochondrial hypertrophic cardiomyopathy with lactic acidosis due to MTO1 deficiency. Also called: Combined oxidative phosphorylation deficiency 10; CARDIOMYOPATHY, INFANTILE HYPERTROPHIC MITOCHONDRIAL, AND LACTIC ACIDOSIS. Identifiers: Orphanet 314637, MedGen C4749921, MONDO:0013865, OMIM 614702.

Submission:

Labcorp Genetics (formerly Invitae), Labcorp
Classification: Uncertain significance for Mitochondrial hypertrophic cardiomyopathy with lactic acidosis due to MTO1 deficiency. Last evaluated: 2022-08-19. Review status: criteria provided, single submitter. Criteria: Invitae Variant Classification Sherloc (09022015). Collection method: clinical testing. Allele origin: germline.
Comment: In summary, the available evidence is currently insufficient to determine the role of this variant in disease. Therefore, it has been classified as a Variant of Uncertain Significance. Algorithms developed to predict the effect of missense changes on protein structure and function (SIFT, PolyPhen-2, Align-GVGD) all suggest that this variant is likely to be tolerated. This variant has not been reported in the literature in individuals affected with MTO1-related conditions. This variant is not present in population databases (gnomAD no frequency). This sequence change replaces leucine, which is neutral and non-polar, with valine, which is neutral and non-polar, at codon 617 of the MTO1 protein (p.Leu617Val).

NM_012123.4(MTO1):c.1849T>G (p.Leu617Val)

Gene: MTO1 (mitochondrial tRNA translation optimization 1; plus strand). Cytogenetic location: 6q13.
Variant type: single nucleotide variant.
Coding change: c.1849T>G on transcript NM_012123.4 (MANE Select); coding-DNA position 1849, T replaced by G.
Protein change: p.Leu617Val; replaces leucine 617 with valine.
Molecular consequence: missense variant.
Genome position (GRCh38, 1-based): chr6:73,497,828, T>G. VCF-style: chr6-73497828-T-G. GRCh37 (hg19) VCF-style: chr6-74207551-T-G.
Other names: c.1969T>G, p.Leu657Val (NM_001123226.2); c.1924T>G, p.Leu642Val (NM_133645.3); short protein forms L617V, L642V, L657V.
Identifiers: ClinVar variation 1716745 (VCV001716745.5), dbSNP rs1187243221, ClinGen allele CA364701069.
Genomic context (GRCh38, chr6:73,497,828, plus strand): 5'-CAAGAAATAAAGGGAGTTCAGCAAGATGAAGCTCTCCAACTGCCAAAAGACCTAGATTAT[T>G]TGACTATCAGGGATGTGTCTTTGTCCCATGAAGTTCGAGAGAAACTACATTTTAGTCGTC-3'
Protein context (NP_036255.2, residues 607-627): ALQLPKDLDY[Leu617Val]TIRDVSLSHE